The following is an entry in ClinVar:

NM_004036.5(ADCY3):c.160C>A (p.Arg54=)

Gene: ADCY3 (adenylate cyclase 3; minus strand). Cytogenetic location: 2p23.3.
Variant type: single nucleotide variant.
Coding change: c.160C>A on transcript NM_004036.5 (MANE Select); coding-DNA position 160, C replaced by A.
Protein change: p.Arg54=; no amino-acid change (arginine 54 retained).
Molecular consequence: synonymous variant.
Genome position (GRCh38, 1-based): chr2:24,918,828, G>T on the plus strand (C>A on the coding strand, the complement: ADCY3 is on the minus strand). VCF-style: chr2-24918828-G-T. GRCh37 (hg19) VCF-style: chr2-25141697-G-T.
Other names: c.160C>A, p.Arg54= (NM_001320613.2, NM_001377128.1, NM_001377129.1 and 2 more transcripts).
Identifiers: ClinVar variation 3353516 (VCV003353516.1).

ClinVar aggregate classification (germline): Likely benign (0 of 4 stars; one submission).

Conditions:
ADCY3-related disorder. Also called: ADCY3-related condition.

gnomAD v4.1: 61 of 1,613,574 alleles (0.0038%); highest among the groups gnomAD compares: Admixed American, 0.0083%; no homozygotes.

Submission:

PreventionGenetics, part of Exact Sciences
Classification: Likely benign for ADCY3-related condition. Last evaluated: 2022-09-08. Review status: no assertion criteria provided. Collection method: clinical testing. Allele origin: germline.
Comment: This variant is classified as likely benign based on ACMG/AMP sequence variant interpretation guidelines (Richards et al. 2015 PMID: 25741868, with internal and published modifications).